The following is an entry in ClinVar:

NM_021076.4(NEFH):c.2327C>G (p.Ser776Cys)

Gene: NEFH (neurofilament heavy chain; plus strand). Cytogenetic location: 22q12.2.
Variant type: single nucleotide variant.
Coding change: c.2327C>G on transcript NM_021076.4 (MANE Select); coding-DNA position 2327, C replaced by G.
Protein change: p.Ser776Cys; replaces serine 776 with cysteine.
Molecular consequence: missense variant.
Genome position (GRCh38, 1-based): chr22:29,489,967, C>G. VCF-style: chr22-29489967-C-G. GRCh37 (hg19) VCF-style: chr22-29885956-C-G.
Other names: short protein forms S776C.
Identifiers: ClinVar variation 1033974 (VCV001033974.8), dbSNP rs201520640, ClinGen allele CA10174403.

ClinVar aggregate classification (germline): Conflicting classifications of pathogenicity. Review status: criteria provided, conflicting classifications (1 of 4 stars). 3 submissions from 3 submitters: Uncertain significance (1); Benign (1); Likely benign (1). Last evaluated 2025-09-19.

Conditions:
Charcot-Marie-Tooth disease axonal type 2CC. Also called: CHARCOT-MARIE-TOOTH NEUROPATHY, TYPE 2CC. Identifiers: MedGen C4310790, MONDO:0014836, OMIM 616924.
Inborn genetic diseases. Identifiers: MedGen C0950123, MeSH D030342.

Allele frequency attached by ClinVar (database versions not stated): gnomAD exomes 0.00001 and 0.00008; gnomAD 0.00003 and 0.00004; TOPMed 0.00003; ExAC 0.00007; 1000 Genomes Project 0.00020; 1000 Genomes Project 30x 0.00031.
gnomAD v4.1: 23 of 1,613,810 alleles (0.0014%); highest among the groups gnomAD compares: East Asian, 0.042%; no homozygotes.

Submissions (3):

Labcorp Genetics (formerly Invitae), Labcorp
Classification: Benign. Last evaluated: 2025-09-19. Review status: criteria provided, single submitter. Criteria: Invitae Variant Classification Sherloc (09022015). Collection method: clinical testing. Allele origin: germline.

Ambry Genetics
Classification: Likely benign for Inborn genetic diseases. Last evaluated: 2021-07-16. Review status: criteria provided, single submitter. Criteria: Ambry Variant Classification Scheme 2023. Collection method: clinical testing. Allele origin: germline.

Baylor Genetics
Classification: Uncertain significance for Charcot-Marie-Tooth disease axonal type 2CC. Last evaluated: 2018-01-24. Review status: criteria provided, single submitter. Criteria: ACMG Guidelines, 2015. Collection method: clinical testing. Allele origin: unknown. Affected: yes.
Comment: This variant was determined to be of uncertain significance according to ACMG Guidelines, 2015 [PMID:25741868].